The following is an entry in ClinVar:

NM_000787.4(DBH):c.*844C>T

Gene: DBH (dopamine beta-hydroxylase; plus strand). Cytogenetic location: 9q34.2.
Variant type: single nucleotide variant.
Coding change: c.*844C>T on transcript NM_000787.4 (MANE Select); 844 bases downstream of the stop codon, C replaced by T.
Molecular consequence: 3 prime UTR variant.
Genome position (GRCh38, 1-based): chr9:133,659,291, C>T. VCF-style: chr9-133659291-C-T. GRCh37 (hg19) VCF-style: chr9-136524413-C-T.
Identifiers: ClinVar variation 913922 (VCV000913922.4), dbSNP rs151115868, ClinGen allele CA200983130.
Genomic context (GRCh38, chr9:133,659,291, plus strand): 5'-GGGCCATTTCACATTCCTGACCCTCACTTTTCTCATCTGTAAAACCAGGCTGATGCCGTG[C>T]GGGCTAATGAGCCAATAAAGCTCACACTTGGGCTGGCACCCACTGGAGGTGGGTATGTTT-3'

ClinVar aggregate classification (germline): Likely benign (1 of 4 stars; one submission).

Conditions:
Orthostatic hypotension 1 (ORTHYP1). Also called: NORADRENALINE DEFICIENCY; NOREPINEPHRINE DEFICIENCY; Orthostatic hypotension 1, due to DBH deficiency; Dopamine beta-hydroxylase deficiency. Identifiers: Orphanet 230, MedGen C4746777, MONDO:0009123, OMIM 223360.

Allele frequency attached by ClinVar (database versions not stated): TOPMed 0.00276; 1000 Genomes Project 0.00379; 1000 Genomes Project 30x 0.00406.

Submission:

Illumina Laboratory Services, Illumina
Classification: Likely benign for Orthostatic hypotension 1. Last evaluated: 2018-01-13. Review status: criteria provided, single submitter. Criteria: ICSL Variant Classification Criteria 13 December 2019. Collection method: clinical testing. Allele origin: germline.
Comment: This variant was observed in the ICSL laboratory as part of a predisposition screen in an ostensibly healthy population. It had not been previously curated by ICSL or reported in the Human Gene Mutation Database (HGMD: prior to June 1st, 2018), and was therefore a candidate for classification through an automated scoring system. Utilizing variant allele frequency, disease prevalence and penetrance estimates, and inheritance mode, an automated score was calculated to assess if this variant is too frequent to cause the disease. Based on the score and internal cut-off values, a variant classified as likely benign is not then subjected to further curation. The score for this variant resulted in a classification of likely benign for this disease.